The following is an entry in ClinVar:

ClinVar aggregate classification (germline): Uncertain significance (1 of 4 stars; one submission).

Allele frequency attached by ClinVar (database versions not stated): TOPMed below 0.00001.

Submission:

Labcorp Genetics (formerly Invitae), Labcorp
Classification: Uncertain significance. Last evaluated: 2025-04-21. Review status: criteria provided, single submitter. Criteria: Invitae Variant Classification Sherloc (09022015). Collection method: clinical testing. Allele origin: germline.
Comment: This sequence change replaces lysine, which is basic and polar, with glutamic acid, which is acidic and polar, at codon 1691 of the CACNA1D protein (p.Lys1691Glu). This variant is not present in population databases (gnomAD no frequency). This variant has not been reported in the literature in individuals affected with CACNA1D-related conditions. ClinVar contains an entry for this variant (Variation ID: 2001007). An algorithm developed to predict the effect of missense changes on protein structure and function (PolyPhen-2) suggests that this variant is likely to be tolerated. In summary, the available evidence is currently insufficient to determine the role of this variant in disease. Therefore, it has been classified as a Variant of Uncertain Significance.

NM_001128840.3(CACNA1D):c.5011A>G (p.Lys1671Glu)

Gene: CACNA1D (calcium voltage-gated channel subunit alpha1 D; plus strand). Cytogenetic location: 3p21.1.
Variant type: single nucleotide variant.
Coding change: c.5011A>G on transcript NM_001128840.3 (MANE Select); coding-DNA position 5011, A replaced by G.
Protein change: p.Lys1671Glu; replaces lysine 1671 with glutamic acid.
Molecular consequence: missense variant.
Genome position (GRCh38, 1-based): chr3:53,800,336, A>G. VCF-style: chr3-53800336-A-G. GRCh37 (hg19) VCF-style: chr3-53834363-A-G.
Other names: c.5071A>G, p.Lys1691Glu (NM_000720.4); c.4966A>G, p.Lys1656Glu (NM_001128839.3); short protein forms K1671E, K1656E, K1691E.
Identifiers: ClinVar variation 2001007 (VCV002001007.4), dbSNP rs2095529893, ClinGen allele CA353249678.